The following is an entry in ClinVar:

ClinVar aggregate classification (germline): Uncertain significance (1 of 4 stars; one submission).

gnomAD v4.1: 3 of 1,614,062 alleles (0.00019%); highest among the groups gnomAD compares: Admixed American, 0.005%; no homozygotes.

Submission:

Labcorp Genetics (formerly Invitae), Labcorp
Classification: Uncertain significance. Last evaluated: 2025-02-13. Review status: criteria provided, single submitter. Criteria: Invitae Variant Classification Sherloc (09022015). Collection method: clinical testing. Allele origin: germline.
Comment: This sequence change replaces glycine, which is neutral and non-polar, with valine, which is neutral and non-polar, at codon 494 of the MCM2 protein (p.Gly494Val). This variant is present in population databases (no rsID available, gnomAD 0.003%). This variant has not been reported in the literature in individuals affected with MCM2-related conditions. Invitae Evidence Modeling of protein sequence and biophysical properties (such as structural, functional, and spatial information, amino acid conservation, physicochemical variation, residue mobility, and thermodynamic stability) indicates that this missense variant is not expected to disrupt MCM2 protein function with a negative predictive value of 80%. In summary, the available evidence is currently insufficient to determine the role of this variant in disease. Therefore, it has been classified as a Variant of Uncertain Significance.

NM_004526.4(MCM2):c.1481G>T (p.Gly494Val)

Gene: MCM2 (minichromosome maintenance complex component 2; plus strand). Cytogenetic location: 3q21.3.
Variant type: single nucleotide variant.
Coding change: c.1481G>T on transcript NM_004526.4 (MANE Select); coding-DNA position 1481, G replaced by T.
Protein change: p.Gly494Val; replaces glycine 494 with valine.
Molecular consequence: missense variant. On other transcripts: non-coding transcript variant (1).
Genome position (GRCh38, 1-based): chr3:127,615,914, G>T. VCF-style: chr3-127615914-G-T. GRCh37 (hg19) VCF-style: chr3-127334757-G-T.
Other names: short protein forms G494V.
Identifiers: ClinVar variation 4743614 (VCV004743614.1).